The following is an entry in ClinVar:

ClinVar aggregate classification (germline): Uncertain significance (1 of 4 stars; one submission).

Conditions:
Hereditary cancer-predisposing syndrome. Also called: Neoplastic Syndromes, Hereditary; Tumor predisposition; Hereditary neoplastic syndrome; Hereditary Cancer Syndrome. Identifiers: Orphanet 140162, MedGen C0027672, MeSH D009386, MONDO:0015356.

Submission:

Ambry Genetics
Classification: Uncertain significance for Hereditary cancer-predisposing syndrome. Last evaluated: 2026-07-07. Review status: criteria provided, single submitter. Criteria: Ambry Variant Classification Scheme 2023. Collection method: clinical testing. Allele origin: germline.
Comment: The p.S133Y variant (also known as c.398C>A), located in coding exon 4 of the CDH1 gene, results from a C to A substitution at nucleotide position 398. The serine at codon 133 is replaced by tyrosine, an amino acid with dissimilar properties. This amino acid position is conserved. In addition, this alteration is predicted to be tolerated by in silico analysis. Based on the available evidence, the clinical significance of this variant remains unclear.

NM_004360.5(CDH1):c.398C>A (p.Ser133Tyr)

Gene: CDH1 (cadherin 1; plus strand). Cytogenetic location: 16q22.1.
Variant type: single nucleotide variant.
Coding change: c.398C>A on transcript NM_004360.5 (MANE Select); coding-DNA position 398, C replaced by A.
Protein change: p.Ser133Tyr; replaces serine 133 with tyrosine.
Molecular consequence: missense variant. On other transcripts: 5 prime UTR variant (2).
Genome position (GRCh38, 1-based): chr16:68,808,434, C>A. VCF-style: chr16-68808434-C-A. GRCh37 (hg19) VCF-style: chr16-68842337-C-A.
Other names: c.398C>A, p.Ser133Tyr (NM_001317184.2); c.-1218C>A (NM_001317185.2); c.-1422C>A (NM_001317186.2); short protein forms S133Y.
Identifiers: ClinVar variation 5033996 (VCV005033996.1).
Genomic context (GRCh38, chr16:68,808,434, plus strand): 5'-GTATCCGTCTTGAATTGTCTTATCTTGTTCCTCATCTTCTTTCCTTTTAGGCCTCCGTTT[C>A]TGGAATCCAAGCAGAATTGCTCACATTTCCCAACTCCTCTCCTGGCCTCAGAAGACAGAA-3'
Protein context (NP_004351.1, residues 123-143): HRPPPHQASV[Ser133Tyr]GIQAELLTFP